The following is an entry in ClinVar:

NM_003242.6(TGFBR2):c.281A>C (p.Asn94Thr)

Gene: TGFBR2 (transforming growth factor beta receptor 2; plus strand). Cytogenetic location: 3p24.1.
Variant type: single nucleotide variant.
Coding change: c.281A>C on transcript NM_003242.6 (MANE Select); coding-DNA position 281, A replaced by C.
Protein change: p.Asn94Thr; replaces asparagine 94 with threonine.
Molecular consequence: missense variant. On other transcripts: intron variant (2).
Genome position (GRCh38, 1-based): chr3:30,650,287, A>C. VCF-style: chr3-30650287-A-C. GRCh37 (hg19) VCF-style: chr3-30691779-A-C.
Other names: c.356A>C, p.Asn119Thr (NM_001024847.3, NM_001407126.1, NM_001407139.1); c.281A>C, p.Asn94Thr (NM_001407127.1, NM_001407130.1); c.308A>C, p.Asn103Thr (NM_001407128.1); c.176A>C, p.Asn59Thr (NM_001407129.1, NM_001407132.1, NM_001407133.1 and 3 more transcripts); c.170-21351A>C (NM_001407137.1); c.95-21351A>C (NM_001407138.1); short protein forms N103T, N119T, N59T, N94T.
Identifiers: ClinVar variation 3074314 (VCV003074314.1), dbSNP rs2125409876, ClinGen allele CA351806737.

ClinVar aggregate classification (germline): Uncertain significance (1 of 4 stars; one submission).

Conditions:
Loeys-Dietz syndrome 2 (LDS2). Also called: TGFBR2-Related Loeys-Dietz Syndrome; AORTIC ANEURYSM, FAMILIAL THORACIC 3; MARFAN SYNDROME, TYPE II; Marfan syndrome, type 2 (formerly); Marfan Syndrome type 2; Marfan like connective tissue disorder. Identifiers: Orphanet 284973, Orphanet 558, MedGen C2674574, MONDO:0012427, OMIM 610168.

Submission:

All of Us Research Program, National Institutes of Health
Classification: Uncertain significance for Loeys-Dietz syndrome 2. Last evaluated: 2023-11-02. Review status: criteria provided, single submitter. Criteria: ACMG Guidelines, 2015. Collection method: clinical testing. Allele origin: germline. Inheritance: Autosomal dominant inheritance. Observed: 1 variant allele, 1 heterozygote.
Comment: This missense variant replaces asparagine with threonine at codon 94 of the TGFBR2 protein. Computational prediction suggests that this variant may not impact protein structure and function (internally defined REVEL score threshold <= 0.5, PMID: 27666373). To our knowledge, functional studies have not been reported for this variant. This variant has not been reported in individuals affected with TGFBR2-related disorders in the literature. This variant has not been identified in the general population by the Genome Aggregation Database (gnomAD). The available evidence is insufficient to determine the role of this variant in disease conclusively. Therefore, this variant is classified as a Variant of Uncertain Significance.

This study involves interpretation of variants in research participants for the purpose of population health screening. Participant phenotype was not available at the time of variant classification. Additional details can be found in publication PMID: 35346344, PMCID: PMC8962531